The following is an entry in ClinVar:

ClinVar aggregate classification (germline): Uncertain significance (1 of 4 stars; one submission).

gnomAD v4.1: 10 of 1,611,112 alleles (0.00062%); highest among the groups gnomAD compares: Admixed American, 0.015%; no homozygotes.

Submission:

Labcorp Genetics (formerly Invitae), Labcorp
Classification: Uncertain significance. Last evaluated: 2024-11-26. Review status: criteria provided, single submitter. Criteria: Invitae Variant Classification Sherloc (09022015). Collection method: clinical testing. Allele origin: germline.
Comment: This sequence change affects codon 407 of the COL2A1 mRNA. It is a 'silent' change, meaning that it does not change the encoded amino acid sequence of the COL2A1 protein. It affects a nucleotide within the consensus splice site. This variant is present in population databases (rs150865922, gnomAD 0.01%). This variant has not been reported in the literature in individuals affected with COL2A1-related conditions. ClinVar contains an entry for this variant (Variation ID: 1990601). Algorithms developed to predict the effect of sequence changes on RNA splicing suggest that this variant is not likely to affect RNA splicing. In summary, the available evidence is currently insufficient to determine the role of this variant in disease. Therefore, it has been classified as a Variant of Uncertain Significance.

NM_001844.5(COL2A1):c.1221C>G (p.Ser407=)

Gene: COL2A1 (collagen type II alpha 1 chain; minus strand). Cytogenetic location: 12q13.11.
Variant type: single nucleotide variant.
Coding change: c.1221C>G on transcript NM_001844.5 (MANE Select); coding-DNA position 1221, C replaced by G.
Protein change: p.Ser407=; no amino-acid change (serine 407 retained).
Molecular consequence: synonymous variant.
Genome position (GRCh38, 1-based): chr12:47,987,611, G>C on the plus strand (C>G on the coding strand, the complement: COL2A1 is on the minus strand). VCF-style: chr12-47987611-G-C. GRCh37 (hg19) VCF-style: chr12-48381394-G-C.
Other names: c.1014C>G, p.Ser338= (NM_033150.3).
Identifiers: ClinVar variation 1990601 (VCV001990601.4), dbSNP rs150865922, ClinGen allele CA6535580.
Genomic context (GRCh38, chr12:47,987,611, plus strand): 5'-TCAAGAGTTCCAAAGCCACAGACCCCAGACCCCCCCAGGCCAAAGAGAAGCTGCACTTAC[G>C]GAGGCACCAGCAGGCCCAGGGGACCCAGGAGTACCAGGTTCACCGCGAGGACCTTGAGCA-3'
Protein context (NP_001835.3, residues 397-417): TPGSPGPAGA[Ser407=]GNPGTDGIPG